The following is an entry in ClinVar:

NM_000369.5(TSHR):c.1556G>A (p.Arg519His)

Genes: TSHR (thyroid stimulating hormone receptor; plus strand), TSHR-AS1 (TSHR antisense RNA 1; minus strand). Cytogenetic location: 14q31.1.
Variant type: single nucleotide variant.
Coding change: c.1556G>A on transcript NM_000369.5 (MANE Select); coding-DNA position 1556, G replaced by A.
Protein change: p.Arg519His; replaces arginine 519 with histidine.
Molecular consequence: missense variant.
Genome position (GRCh38, 1-based): chr14:81,143,614, G>A. VCF-style: chr14-81143614-G-A. GRCh37 (hg19) VCF-style: chr14-81609958-G-A.
Other names: short protein forms R519H.
Identifiers: ClinVar variation 886255 (VCV000886255.9), dbSNP rs780018604, ClinGen allele CA7294480.

ClinVar aggregate classification (germline): Pathogenic/Likely pathogenic. Review status: criteria provided, multiple submitters, no conflicts (2 of 4 stars). 4 submissions from 4 submitters: Pathogenic (1); Likely pathogenic (3). Last evaluated 2025-02-13.

Conditions:
Hypothyroidism due to TSH receptor mutations. Also called: Hypothyroidism, congenital, nongoitrous, 1; HYPOTHYROIDISM DUE TO UNRESPONSIVENESS TO THYROTROPIN; HYPOTHYROIDISM, CONGENITAL, DUE TO TSH RESISTANCE; HYPOTHYROIDISM, NONAUTOIMMUNE; THYROID-STIMULATING HORMONE, RESISTANCE TO; TSH RESISTANCE. Identifiers: Orphanet 90673, MedGen C3493776, MONDO:0010142, OMIM 275200.
Familial gestational hyperthyroidism. Identifiers: Orphanet 99819, MedGen C1863959, MONDO:0011309, OMIM 603373.
Familial hyperthyroidism due to mutations in TSH receptor. Also called: HYPERTHYROIDISM, CONGENITAL NONAUTOIMMUNE; HYPERTHYROIDISM, NONAUTOIMMUNE, AUTOSOMAL DOMINANT; TOXIC THYROID HYPERPLASIA, AUTOSOMAL DOMINANT. Identifiers: Orphanet 424, MedGen C1836706, MONDO:0012203, OMIM 609152.

Allele frequency attached by ClinVar (database versions not stated): ExAC 0.00002; gnomAD exomes 0.00002; TOPMed 0.00002; gnomAD 0.00004.
gnomAD v4.1: 43 of 1,613,704 alleles (0.0027%); highest among the groups gnomAD compares: East Asian, 0.0089%; no homozygotes.

Submissions (4):

Illumina Laboratory Services, Illumina
Classification: Likely pathogenic for Hypothyroidism due to TSH receptor mutations. Last evaluated: 2025-02-13. Review status: criteria provided, single submitter. Criteria: ICSLVariantClassificationCriteria RUGD 01 April 2020. Collection method: clinical testing. Allele origin: unknown.

Fulgent Genetics
Classification: Likely pathogenic for Hypothyroidism due to TSH receptor mutations; Familial gestational hyperthyroidism; Familial hyperthyroidism due to mutations in TSH receptor. Last evaluated: 2024-03-19. Review status: criteria provided, single submitter. Criteria: ACMG Guidelines, 2015. Collection method: clinical testing. Allele origin: germline.

Genomic Medicine Center of Excellence, King Faisal Specialist Hospital and Research Centre
Classification: Likely pathogenic for Hypothyroidism due to TSH receptor mutations. Last evaluated: 2024-03-17. Review status: criteria provided, single submitter. Criteria: ACMG Guidelines, 2015. Collection method: research. Allele origin: germline.

GeneDx
Classification: Pathogenic. Last evaluated: 2022-04-21. Review status: criteria provided, single submitter. Criteria: GeneDx Variant Classification Process June 2021. Collection method: clinical testing. Allele origin: germline. Affected: yes.
Comment: Reported both in the heterozygous state and with a second TSHR variant in patients with hypothyroidism in the published literature (Abe et al., 2018; de Fillippis et al., 2017); Published functional studies demonstrate mislocalization and loss of enzymatic function (Sugisawa et al., 2021); This variant is associated with the following publications: (PMID: 32425884, 33726816, 33108452, 29546359, 28444304, 29092890)